The following is an entry in ClinVar:

NM_014141.6(CNTNAP2):c.1385G>A (p.Arg462His)

Gene: CNTNAP2 (contactin associated protein 2; plus strand). Cytogenetic location: 7q35.
Variant type: single nucleotide variant.
Coding change: c.1385G>A on transcript NM_014141.6 (MANE Select); coding-DNA position 1385, G replaced by A.
Protein change: p.Arg462His; replaces arginine 462 with histidine.
Molecular consequence: missense variant.
Genome position (GRCh38, 1-based): chr7:147,300,177, G>A. VCF-style: chr7-147300177-G-A. GRCh37 (hg19) VCF-style: chr7-146997269-G-A.
Other names: p.R462H:CGC>CAC; short protein forms R462H.
Identifiers: ClinVar variation 205243 (VCV000205243.11), dbSNP rs774717843, ClinGen allele CA314120.

ClinVar aggregate classification (germline): Uncertain significance. Review status: criteria provided, multiple submitters, no conflicts (2 of 4 stars). 3 submissions from 3 submitters: Uncertain significance (3). Last evaluated 2026-08-31.

Conditions:
Inborn genetic diseases. Identifiers: MedGen C0950123, MeSH D030342.
Cortical dysplasia-focal epilepsy syndrome (PTHSL1). Also called: Pitt-Hopkins-like syndrome 1. Identifiers: Orphanet 163681, Orphanet 221150, MedGen C2750246, MONDO:0012400, OMIM 610042.

Allele frequency attached by ClinVar (database versions not stated): gnomAD 0.00004 and 0.00008; 1000 Genomes Project 30x 0.00031; TOPMed 0.00003.
gnomAD v4.1: 192 of 1,613,952 alleles (0.012%); highest among the groups gnomAD compares: South Asian, 0.16%; no homozygotes.

Submissions (3):

GeneDx
Classification: Uncertain significance. Last evaluated: 2026-08-31. Review status: criteria provided, single submitter. Criteria: GeneDx Variant Classification Process June 2021. Collection method: clinical testing. Allele origin: germline.
Comment: In silico analysis suggests that this missense variant does not alter protein structure/function; Has not been previously published as pathogenic or benign to our knowledge

Labcorp Genetics (formerly Invitae), Labcorp
Classification: Uncertain significance for Cortical dysplasia-focal epilepsy syndrome. Last evaluated: 2022-08-31. Review status: criteria provided, single submitter. Criteria: Invitae Variant Classification Sherloc (09022015). Collection method: clinical testing. Allele origin: germline.
Comment: This sequence change replaces arginine, which is basic and polar, with histidine, which is basic and polar, at codon 462 of the CNTNAP2 protein (p.Arg462His). This variant is present in population databases (rs774717843, gnomAD 0.1%). This variant has not been reported in the literature in individuals affected with CNTNAP2-related conditions. ClinVar contains an entry for this variant (Variation ID: 205243). Algorithms developed to predict the effect of missense changes on protein structure and function (SIFT, PolyPhen-2, Align-GVGD) all suggest that this variant is likely to be tolerated. In summary, the available evidence is currently insufficient to determine the role of this variant in disease. Therefore, it has been classified as a Variant of Uncertain Significance.

Ambry Genetics
Classification: Uncertain significance for Inborn genetic diseases. Last evaluated: 2019-06-03. Review status: criteria provided, single submitter. Criteria: Ambry Variant Classification Scheme 2023. Collection method: clinical testing. Allele origin: germline.
Comment: The p.R462H variant (also known as c.1385G>A), located in coding exon 9 of the CNTNAP2 gene, results from a G to A substitution at nucleotide position 1385. The arginine at codon 462 is replaced by histidine, an amino acid with highly similar properties. This amino acid position is well conserved in available vertebrate species; however, histidine is the reference amino acid in other vertebrate species. In addition, this alteration is predicted to be tolerated by in silico analysis. Since supporting evidence is limited at this time, the clinical significance of this alteration remains unclear.